The following is an entry in ClinVar:

ClinVar aggregate classification (germline): Uncertain significance. Review status: criteria provided, multiple submitters, no conflicts (2 of 4 stars). 5 submissions from 4 submitters: Uncertain significance (4). 1 of the submissions does not count toward it. Last evaluated 2025-12-07.

Conditions:
Autosomal dominant nonsyndromic hearing loss 15 (DFNA15). Also called: Autosomal dominant nonsyndromic hearing loss 52; DEAFNESS, AUTOSOMAL DOMINANT 52. Identifiers: Orphanet 90635, MedGen C1865366, MONDO:0011226, OMIM 602459.
Congenital sensorineural hearing impairment. Identifiers: MedGen C1865866, HP:0008527.
POU4F3-related disorder. Also called: POU4F3-related condition.

Allele frequency attached by ClinVar (database versions not stated): TOPMed below 0.00001; gnomAD 0.00001.

Submissions (5):

PreventionGenetics, part of Exact Sciences
Classification: Uncertain significance for POU4F3-related condition. Last evaluated: 2025-12-07. Review status: criteria provided, single submitter. Criteria: ACMG Guidelines, 2015. Collection method: clinical testing. Allele origin: germline.
Comment: The POU4F3 c.553C>T variant is predicted to result in the amino acid substitution p.Arg185Cys. To our knowledge, this variant has not been reported in the literature. This variant is reported in 0.0044% of alleles in individuals of European (Non-Finnish) descent in gnomAD. At this time, the clinical significance of this variant is uncertain due to the absence of conclusive functional and genetic evidence.

Blueprint Genetics
Classification: Uncertain significance. Last evaluated: 2022-10-19. Review status: criteria provided, single submitter. Criteria: ACMG Guidelines, 2015. Collection method: clinical testing. Allele origin: germline.

Victorian Clinical Genetics Services, Murdoch Childrens Research Institute
Classification: Uncertain significance for Autosomal dominant nonsyndromic hearing loss 15. Last evaluated: 2019-08-28. Review status: criteria provided, single submitter. Criteria: ACMG Guidelines, 2015. Collection method: clinical testing. Allele origin: germline. Inheritance: Autosomal dominant inheritance. Affected: yes.
Comment: A heterozygous missense variant, NM_002700.2(POU4F3):c.553C>T, has been identified in exon 2 of 2 of the POU4F3 gene. The variant is predicted to result in a major amino acid change from arginine to cysteine at position 185 of the protein (NP_002691.1(POU4F3):p.Arg185Cys). The arginine residue at this position has moderate conservation (100 vertebrates, UCSC), and is located within the POU-specific functional domain. In silico predictions for this variant are consistently pathogenic (Polyphen, SIFT, CADD, Mutation Taster). The variant is present in the gnomAD database at a frequency of 0.00040% (1 heterozygote). The variant has been previously described as a VUS (ClinVar, Deafnessvariationdatabase). An alternative change to glycine, has also been reported as a VUS (Deafnessvariationdatabase). Based on the information available at the time of curation, this variant has been classified as a VARIANT of UNCERTAIN SIGNIFICANCE.

Centre for Mendelian Genomics, University Medical Centre Ljubljana
Classification: Uncertain significance for Autosomal dominant nonsyndromic hearing loss 15. Last evaluated: 2016-01-01. Review status: criteria provided, single submitter. Criteria: ACMG Guidelines, 2015. Collection method: clinical testing. Allele origin: unknown. Affected: yes.
Comment: This variant was classified as: Uncertain significance.

Centre for Mendelian Genomics, University Medical Centre Ljubljana
Classification: Uncertain significance for Congenital sensorineural hearing impairment. Last evaluated: 2016-02-12. Review status: no assertion criteria provided. Collection method: clinical testing. Allele origin: unknown. Affected: yes. Not counted in ClinVar's aggregate classification.

NM_002700.3(POU4F3):c.553C>T (p.Arg185Cys)

Genes: POU4F3 (POU class 4 homeobox 3; plus strand), RBM27-POU4F3 (RBM27-POU4F3 readthrough; plus strand). Cytogenetic location: 5q32.
Variant type: single nucleotide variant.
Coding change: c.553C>T on transcript NM_002700.3 (MANE Select); coding-DNA position 553, C replaced by T.
Protein change: p.Arg185Cys; replaces arginine 185 with cysteine.
Molecular consequence: missense variant.
Genome position (GRCh38, 1-based): chr5:146,339,980, C>T. VCF-style: chr5-146339980-C-T. GRCh37 (hg19) VCF-style: chr5-145719543-C-T.
Other names: short protein forms R185C.
Identifiers: ClinVar variation 373997 (VCV000373997.7), dbSNP rs746613906, ClinGen allele CA3491164.